The following is an entry in ClinVar:

NC_000011.9:g.(68575107_68579904)_(68609400_?)dup

Gene: CPT1A (carnitine palmitoyltransferase 1A; minus strand). Cytogenetic location: 11q13.3.
Variant type: Duplication.
Identifiers: ClinVar variation 2503978 (VCV002503978.1).

ClinVar aggregate classification (germline): Uncertain significance (1 of 4 stars; one submission).

Submission:

Women's Health and Genetics/Laboratory Corporation of America, LabCorp
Classification: Uncertain significance. Last evaluated: 2023-04-14. Review status: criteria provided, single submitter. Criteria: LabCorp Variant Classification Summary - May 2015. Collection method: clinical testing. Allele origin: germline.
Comment: Variant summary: The variant identified by MLPA or other technology involves the duplication of exons 1-3 in the CPT1A gene, where exon 2 contains the initiation codon. A presumed nomenclature of c.(?_-171)_(281+1_282-1)dup has been designated for the purposes of this classification. It has been assumed that this is a tandem duplication in direct orientation (Richardson_GIM_2018, Newman_AJHG_2015). The variant was absent in 21694 control chromosomes (gnomAD, Structural Variants dataset). The available data on variant occurrences in the general population are insufficient to allow any conclusion about variant significance. To our knowledge, no occurrence of c.(?_-171)_(281+1_282-1)dup in individuals affected with Carnitine Palmitoyltransferase I Deficiency and no experimental evidence demonstrating its impact on protein function have been reported. No clinical diagnostic laboratories have submitted clinical-significance assessments for this variant to ClinVar after 2014. Based on the evidence outlined above, the variant was classified as uncertain significance.